The following is an entry in ClinVar:

NM_003394.4(WNT10B):c.1063G>A (p.Val355Met)

Gene: WNT10B (Wnt family member 10B; minus strand). Cytogenetic location: 12q13.12.
Variant type: single nucleotide variant.
Coding change: c.1063G>A on transcript NM_003394.4 (MANE Select); coding-DNA position 1063, G replaced by A.
Protein change: p.Val355Met; replaces valine 355 with methionine.
Molecular consequence: missense variant.
Genome position (GRCh38, 1-based): chr12:48,966,202, C>T on the plus strand (G>A on the coding strand, the complement: WNT10B is on the minus strand). VCF-style: chr12-48966202-C-T. GRCh37 (hg19) VCF-style: chr12-49359985-C-T.
Other names: c.1063G>A (NM_003394.3); short protein forms V355M.
Identifiers: ClinVar variation 1932195 (VCV001932195.6), dbSNP rs576246166, ClinGen allele CA236626577.

ClinVar aggregate classification (germline): Uncertain significance. Review status: criteria provided, multiple submitters, no conflicts (2 of 4 stars). 2 submissions from 2 submitters: Uncertain significance (2). Last evaluated 2025-08-23.

Conditions:
Inborn genetic diseases. Identifiers: MedGen C0950123, MeSH D030342.

Allele frequency attached by ClinVar (database versions not stated): gnomAD 0.00001; gnomAD exomes 0.00001; TOPMed 0.00002.
gnomAD v4.1: 18 of 1,613,888 alleles (0.0011%); highest among the groups gnomAD compares: Admixed American, 0.015%; no homozygotes.

Submissions (2):

Ambry Genetics
Classification: Uncertain significance for Inborn genetic diseases. Last evaluated: 2025-08-23. Review status: criteria provided, single submitter. Criteria: Ambry Variant Classification Scheme 2023. Collection method: clinical testing. Allele origin: germline.

Labcorp Genetics (formerly Invitae), Labcorp
Classification: Uncertain significance. Last evaluated: 2022-10-03. Review status: criteria provided, single submitter. Criteria: Invitae Variant Classification Sherloc (09022015). Collection method: clinical testing. Allele origin: germline.
Comment: In summary, the available evidence is currently insufficient to determine the role of this variant in disease. Therefore, it has been classified as a Variant of Uncertain Significance. Advanced modeling of protein sequence and biophysical properties (such as structural, functional, and spatial information, amino acid conservation, physicochemical variation, residue mobility, and thermodynamic stability) performed at Invitae indicates that this missense variant is not expected to disrupt WNT10B protein function. This variant has not been reported in the literature in individuals affected with WNT10B-related conditions. This variant is present in population databases (rs576246166, gnomAD 0.02%). This sequence change replaces valine, which is neutral and non-polar, with methionine, which is neutral and non-polar, at codon 355 of the WNT10B protein (p.Val355Met).